The following is an entry in ClinVar:

NM_001374675.1(HSF4):c.233-1G>C

Gene: HSF4 (heat shock transcription factor 4; plus strand). Cytogenetic location: 16q22.1.
Variant type: single nucleotide variant.
Coding change: c.233-1G>C on transcript NM_001374675.1 (MANE Select); the canonical splice acceptor site of the intron before coding-DNA position 233, G replaced by C.
Molecular consequence: splice acceptor variant.
Genome position (GRCh38, 1-based): chr16:67,165,718, G>C. VCF-style: chr16-67165718-G-C. GRCh37 (hg19) VCF-style: chr16-67199621-G-C.
Other names: c.233-1G>C (NM_001538.4, NM_001040667.3, NM_001374674.1).
Identifiers: ClinVar variation 5002168 (VCV005002168.1).

ClinVar aggregate classification (germline): Likely pathogenic (1 of 4 stars; one submission).

Conditions:
HSF4-related disorder. Also called: HSF4-related condition.

Submission:

PreventionGenetics, part of Exact Sciences
Classification: Likely pathogenic for HSF4-related condition. Last evaluated: 2024-12-13. Review status: criteria provided, single submitter. Criteria: ACMG Guidelines, 2015. Collection method: clinical testing. Allele origin: germline.
Comment: The HSF4 c.233-1G>C variant is predicted to disrupt the AG splice acceptor site and interfere with normal splicing. To our knowledge, this variant has not been reported in the literature or in a large population database (gnomAD), indicating this variant is rare. Variants that disrupt the consensus splice acceptor site in HSF4 are expected to be pathogenic and another variant impacting this same consensus site (c.233-1G>A) has been shown to segregate in a family with congenital cataracts (Family CAT-50 in Cao et al. 2018. PubMed ID: 30143024). Based on this evidence, we interpret the c.233-1G>C variant as likely pathogenic.